The following is an entry in ClinVar:

NM_152732.5(RSPH9):c.799G>T (p.Glu267Ter)

Gene: RSPH9 (radial spoke head component 9; plus strand). Cytogenetic location: 6p21.1.
Variant type: single nucleotide variant.
Coding change: c.799G>T on transcript NM_152732.5 (MANE Select); coding-DNA position 799, G replaced by T.
Protein change: p.Glu267Ter; replaces glutamic acid 267 with a stop codon.
Molecular consequence: nonsense. On other transcripts: non-coding transcript variant (2), missense variant (2).
Genome position (GRCh38, 1-based): chr6:43,670,917, G>T. VCF-style: chr6-43670917-G-T. GRCh37 (hg19) VCF-style: chr6-43638654-G-T.
Other names: c.851G>T, p.Arg284Leu (NM_001193341.2); c.896G>T, p.Arg299Leu (NM_001424119.1); c.754G>T, p.Glu252Ter (NM_001424120.1); short protein forms E267*, R284L, E252*, R299L.
Identifiers: ClinVar variation 648306 (VCV000648306.10), dbSNP rs1554149875, ClinGen allele CA364278540.
Genomic context (GRCh38, chr6:43,670,917, plus strand): 5'-CTCACCTTCTACCATGCTCCCCGCACCAAGAACTATGGCTACGTCTACGTGGGCACTGGC[G>T]AGAAGAACATGGACTTGCCCTTCATGCTATAGAATGGGAGCCAGCCTGGATGTTTTTAAA-3'

ClinVar aggregate classification (germline): Pathogenic (1 of 4 stars; one submission).

Conditions:
Primary ciliary dyskinesia. Also called: Ciliary dyskinesia. Identifiers: Orphanet 244, MedGen C0008780, MONDO:0016575, HP:0012265.

gnomAD v4.1: 1 of 1,614,188 alleles (0.000062%); highest among the groups gnomAD compares: Non-Finnish European, 0.000085%; no homozygotes.

Submission:

Labcorp Genetics (formerly Invitae), Labcorp
Classification: Pathogenic for Primary ciliary dyskinesia. Last evaluated: 2023-07-14. Review status: criteria provided, single submitter. Criteria: Invitae Variant Classification Sherloc (09022015). Collection method: clinical testing. Allele origin: germline.
Comment: This variant has not been reported in the literature in individuals affected with RSPH9-related conditions. For these reasons, this variant has been classified as Pathogenic. This variant disrupts a region of the RSPH9 protein in which other variant(s) (p.Lys268del) have been determined to be pathogenic (PMID: 19200523, 22384920, 23993197; Invitae). This suggests that this is a clinically significant region of the protein, and that variants that disrupt it are likely to be disease-causing. ClinVar contains an entry for this variant (Variation ID: 648306). This variant is present in population databases (no rsID available, gnomAD 0.0009%). This sequence change creates a premature translational stop signal (p.Glu267*) in the RSPH9 gene. While this is not anticipated to result in nonsense mediated decay, it is expected to disrupt the last 10 amino acid(s) of the RSPH9 protein.

Literature cited by the submitters: PubMed 19200523; PubMed 22384920; PubMed 23993197.